The following is an entry in ClinVar:

ClinVar aggregate classification (germline): Pathogenic/Likely pathogenic. Review status: criteria provided, multiple submitters, no conflicts (2 of 4 stars). 3 submissions from 3 submitters: Pathogenic (2); Likely pathogenic (1). Last evaluated 2024-11-06.

Conditions:
ADNP-related multiple congenital anomalies - intellectual disability - autism spectrum disorder. Also called: Helsmoortel-Van der Aa Syndrome; ADNP-Related Helsmoortel-Van der Aa Syndrome. Identifiers: Orphanet 404448, MedGen C4014538, MONDO:0014379, OMIM 615873. Disease mechanism: loss of function.

Submissions (3):

GeneDx
Classification: Pathogenic. Last evaluated: 2024-11-06. Review status: criteria provided, single submitter. Criteria: GeneDx Variant Classification Process June 2021. Collection method: clinical testing. Allele origin: germline. Affected: yes.
Comment: Frameshift variant predicted to result in abnormal protein length as the last 274 amino acids are replaced with 1 different amino acid, and other similar variants have been reported in HGMD; Not observed at significant frequency in large population cohorts (gnomAD); Has not been previously published as pathogenic or benign to our knowledge

Labcorp Genetics (formerly Invitae), Labcorp
Classification: Pathogenic. Last evaluated: 2024-06-04. Review status: criteria provided, single submitter. Criteria: Invitae Variant Classification Sherloc (09022015). Collection method: clinical testing. Allele origin: germline.
Comment: This sequence change creates a premature translational stop signal (p.Lys829Asnfs*2) in the ADNP gene. While this is not anticipated to result in nonsense mediated decay, it is expected to disrupt the last 274 amino acid(s) of the ADNP protein. This variant is not present in population databases (gnomAD no frequency). This variant has not been reported in the literature in individuals affected with ADNP-related conditions. This variant disrupts a region of the ADNP protein in which other variant(s) (p.Asn832Lysfs*8) have been determined to be pathogenic (PMID: 24531329, 28221363, 32275126; Invitae). This suggests that this is a clinically significant region of the protein, and that variants that disrupt it are likely to be disease-causing. For these reasons, this variant has been classified as Pathogenic.

New York Genome Center
Classification: Likely pathogenic for ADNP-related multiple congenital anomalies - intellectual disability - autism spectrum disorder. Last evaluated: 2024-05-03. Review status: criteria provided, single submitter. Criteria: NYGC Assertion Criteria 2020. Collection method: clinical testing. Allele origin: de novo. Affected: yes. Observed: 1 variant allele, 1 heterozygote.
Comment: The c.2487_2490del p.(Lys829AsnfsTer2) variant identified in ADNP has not previously been reported in the literature nor has it been deposited in ClinVar, and it is absent from population databases (gnomADv4.1.0, TOPMed Freeze 10, All of Us), suggesting it is not a common benign variant in the populations represented in those databases. The c.2487_2490del variant is located in exon 6 of this 6-exon gene, and is predicted to alter the wild-type translational reading frame and incorporate a premature translation termination codon [p.(Lys829AsnfsTer2)], which is expected to lose ~24% of the C terminal of the protein through truncation. Other pathogenic nonsense and frameshift variants are reported downstream of this variant in the 3’ end of the final exon of ADNP and predict a premature termination [PMID: 24531329]. Based on available evidence, this de novo c.2487_2490del p.(Lys829AsnfsTer2) variant identified in ADNP is classified as Likely Pathogenic.

Literature cited by the submitters: PubMed 24531329 (cited by Labcorp Genetics (formerly Invitae), Labcorp); PubMed 28221363 (cited by Labcorp Genetics (formerly Invitae), Labcorp); PubMed 32275126 (cited by Labcorp Genetics (formerly Invitae), Labcorp).

NM_001282531.3(ADNP):c.2487_2490del (p.Lys829fs)

Gene: ADNP (activity dependent neuroprotector homeobox; minus strand). Cytogenetic location: 20q13.13.
Variant type: Deletion.
Coding change: c.2487_2490del on transcript NM_001282531.3 (MANE Select); coding-DNA positions 2487 to 2490, 4 bases deleted (AGAA; older notation c.2487_2490delAGAA).
Protein change: p.Lys829fs; shifts the reading frame from lysine 829.
Molecular consequence: frameshift variant.
Genome position (GRCh38, 1-based): chr20:50,892,224-50,892,227, TTCT deleted on the plus strand (AGAA on the coding strand, the reverse complement: ADNP is on the minus strand); deleting any 4 consecutive bases within chr20:50,892,224-50,892,230 gives the same sequence; the c. name uses the placement nearest the transcript's 3' end. VCF-style (leftmost placement, unchanged base first): chr20-50892223-ATTCT-A. GRCh37 (hg19) VCF-style: chr20-49508760-ATTCT-A.
Other names: c.2487_2490del (NM_015339.2); c.2487_2490del, p.Lys829fs (NM_001282532.2, NM_001347511.2, NM_015339.5 and 1 more transcripts); short protein forms K829fs.
Identifiers: ClinVar variation 3655407 (VCV003655407.4).